The following is an entry in ClinVar:

NM_001365536.1(SCN9A):c.13C>A (p.Pro5Thr)

Gene: SCN9A (sodium voltage-gated channel alpha subunit 9; minus strand). Cytogenetic location: 2q24.3.
Variant type: single nucleotide variant.
Coding change: c.13C>A on transcript NM_001365536.1 (MANE Select); coding-DNA position 13, C replaced by A.
Protein change: p.Pro5Thr; replaces proline 5 with threonine.
Molecular consequence: missense variant.
Genome position (GRCh38, 1-based): chr2:166,311,744, G>T on the plus strand (C>A on the coding strand, the complement: SCN9A is on the minus strand). VCF-style: chr2-166311744-G-T. GRCh37 (hg19) VCF-style: chr2-167168254-G-T.
Other names: c.13C>A, p.Pro5Thr (NM_002977.4); short protein forms P5T.
Identifiers: ClinVar variation 933312 (VCV000933312.30), dbSNP rs201999985, ClinGen allele CA1944908.
Genomic context (GRCh38, chr2:166,311,744, plus strand): 5'-GTTCAATGAGGGCAAGAGACTGTTTTGTGAAATGGACAAAGCTCTGAGGTCCTGGGGGAG[G>T]CAACATTGCCATCTTTTCATCCTGTATATTTTAATTCCTCTTCAGCTCCTCACATAAGAG-3'
Protein context (NP_001352465.1, residues 1-15): MAML[Pro5Thr]PPGPQSFVHF

ClinVar aggregate classification (germline): Uncertain significance. Review status: criteria provided, multiple submitters, no conflicts (2 of 4 stars). 3 submissions from 3 submitters: Uncertain significance (3). Last evaluated 2025-05-25.

Conditions:
Primary erythromelalgia. Also called: SCN9A Erythromelalgia (SCN9A-EM); primary erythermalgia. Identifiers: Orphanet 306577, Orphanet 90026, MedGen C0014805, MONDO:0007571, OMIM 133020.
Paroxysmal extreme pain disorder (PEXPD). Also called: SCN9A Paroxysmal Extreme Pain Disorder (SCN9A-PEPD); PAIN, SUBMANDIBULAR, OCULAR, AND RECTAL, WITH FLUSHING; RECTAL PAIN, FAMILIAL. Identifiers: Orphanet 46348, MedGen C1833661, MONDO:0008179, OMIM 167400.
Channelopathy-associated congenital insensitivity to pain, autosomal recessive. Also called: Insensitivity to pain, channelopathy-associated; ASYMBOLIA FOR PAIN; CONGENITAL ANALGESIA, AUTOSOMAL RECESSIVE. Identifiers: Orphanet 88642, Orphanet 970, MedGen C1855739, MONDO:0009459, OMIM 243000.
Generalized epilepsy with febrile seizures plus, type 7 (GEFSP7). Also called: GEFS+, TYPE 7. Identifiers: Orphanet 36387, MedGen C2751778, MONDO:0013470, OMIM 613863.
Neuropathy, hereditary sensory and autonomic, type 2A (HSAN2A). Also called: WNK1-Related HSAN2 (HSAN2A); HSAN IIA; MORVAN DISEASE; NEUROPATHY, CONGENITAL SENSORY; NEUROPATHY, HEREDITARY SENSORY RADICULAR, AUTOSOMAL RECESSIVE; NEUROPATHY, HEREDITARY SENSORY, TYPE IIA. Identifiers: Orphanet 970, MedGen C2752089, MONDO:0024309, OMIM 201300.

Allele frequency attached by ClinVar (database versions not stated): gnomAD exomes 0.00001; TOPMed 0.00001; ExAC 0.00002; gnomAD 0.00002; ESP Exome Variant Server 0.00017.
gnomAD v4.1: 23 of 1,602,068 alleles (0.0014%); highest among the groups gnomAD compares: Non-Finnish European, 0.002%; no homozygotes.

Submissions (3):

Labcorp Genetics (formerly Invitae), Labcorp
Classification: Uncertain significance for Neuropathy, hereditary sensory and autonomic, type 2A; Generalized epilepsy with febrile seizures plus, type 7. Last evaluated: 2025-05-25. Review status: criteria provided, single submitter. Criteria: Invitae Variant Classification Sherloc (09022015). Collection method: clinical testing. Allele origin: germline.
Comment: This sequence change replaces proline, which is neutral and non-polar, with threonine, which is neutral and polar, at codon 5 of the SCN9A protein (p.Pro5Thr). This variant is present in population databases (rs201999985, gnomAD 0.003%). This variant has not been reported in the literature in individuals affected with SCN9A-related conditions. ClinVar contains an entry for this variant (Variation ID: 933312). Invitae Evidence Modeling of protein sequence and biophysical properties (such as structural, functional, and spatial information, amino acid conservation, physicochemical variation, residue mobility, and thermodynamic stability) has been performed for this missense variant. However, the output from this modeling did not meet the statistical confidence thresholds required to predict the impact of this variant on SCN9A protein function. In summary, the available evidence is currently insufficient to determine the role of this variant in disease. Therefore, it has been classified as a Variant of Uncertain Significance.

CeGaT Center for Human Genetics Tuebingen
Classification: Uncertain significance. Last evaluated: 2024-03-01. Review status: criteria provided, single submitter. Criteria: CeGaT Center For Human Genetics Tuebingen Variant Classification Criteria Version 2. Collection method: clinical testing. Allele origin: germline. Affected: yes. Observed: 1 variant allele.

Fulgent Genetics
Classification: Uncertain significance for Primary erythromelalgia; Paroxysmal extreme pain disorder; Channelopathy-associated congenital insensitivity to pain, autosomal recessive. Last evaluated: 2024-01-31. Review status: criteria provided, single submitter. Criteria: ACMG Guidelines, 2015. Collection method: clinical testing. Allele origin: germline.